The following is an entry in ClinVar:

ClinVar aggregate classification (germline): Uncertain significance (1 of 4 stars; one submission).

Conditions:
Inborn genetic diseases. Identifiers: MedGen C0950123, MeSH D030342.

Submission:

Ambry Genetics
Classification: Uncertain significance for Inborn genetic diseases. Last evaluated: 2024-11-30. Review status: criteria provided, single submitter. Criteria: Ambry Variant Classification Scheme 2023. Collection method: clinical testing. Allele origin: germline.
Comment: The p.L306S variant (also known as c.917T>C), located in coding exon 9 of the ANKRD26 gene, results from a T to C substitution at nucleotide position 917. The leucine at codon 306 is replaced by serine, an amino acid with dissimilar properties. This amino acid position is conserved. In addition, this alteration is predicted to be tolerated by in silico analysis. Based on the available evidence, the clinical significance of this variant remains unclear.

NM_014915.3(ANKRD26):c.917T>C (p.Leu306Ser)

Gene: ANKRD26 (ankyrin repeat domain containing 26; minus strand). Cytogenetic location: 10p12.1.
Variant type: single nucleotide variant.
Coding change: c.917T>C on transcript NM_014915.3 (MANE Select); coding-DNA position 917, T replaced by C.
Protein change: p.Leu306Ser; replaces leucine 306 with serine.
Molecular consequence: missense variant.
Genome position (GRCh38, 1-based): chr10:27,077,498, A>G on the plus strand (T>C on the coding strand, the complement: ANKRD26 is on the minus strand). VCF-style: chr10-27077498-A-G. GRCh37 (hg19) VCF-style: chr10-27366427-A-G.
Other names: c.917T>C, p.Leu306Ser (NM_001256053.2); short protein forms L306S.
Identifiers: ClinVar variation 3396951 (VCV003396951.1).